The following is an entry in ClinVar:

ClinVar aggregate classification (germline): Uncertain significance. Review status: criteria provided, multiple submitters, no conflicts (2 of 4 stars). 3 submissions from 3 submitters: Uncertain significance (3). Last evaluated 2023-12-05.

Conditions:
Hereditary nonpolyposis colorectal neoplasms. Identifiers: MedGen C0009405, MeSH D003123.
Hereditary cancer-predisposing syndrome. Also called: Hereditary neoplastic syndrome; Tumor predisposition; Hereditary Cancer Syndrome; Neoplastic Syndromes, Hereditary. Identifiers: Orphanet 140162, MedGen C0027672, MeSH D009386, MONDO:0015356.

Submissions (3):

Color Diagnostics, LLC DBA Color Health
Classification: Uncertain significance for Hereditary cancer-predisposing syndrome. Last evaluated: 2023-12-05. Review status: criteria provided, single submitter. Criteria: ACMG Guidelines, 2015. Collection method: clinical testing. Allele origin: germline.
Comment: This missense variant replaces cysteine with serine at codon 1098 of the MSH6 protein. Computational prediction suggests that this variant may have deleterious impact on protein structure and function (internally defined REVEL score threshold >= 0.7, PMID: 27666373). To our knowledge, functional studies have not been reported for this variant. This variant has not been reported in individuals affected with MSH6-related disorders in the literature. This variant has not been identified in the general population by the Genome Aggregation Database (gnomAD). The available evidence is insufficient to determine the role of this variant in disease conclusively. Therefore, this variant is classified as a Variant of Uncertain Significance.

Ambry Genetics
Classification: Uncertain significance for Hereditary cancer-predisposing syndrome. Last evaluated: 2023-09-06. Review status: criteria provided, single submitter. Criteria: Ambry Variant Classification Scheme 2023. Collection method: clinical testing. Allele origin: germline.
Comment: The p.C1098S variant (also known as c.3292T>A), located in coding exon 5 of the MSH6 gene, results from a T to A substitution at nucleotide position 3292. The cysteine at codon 1098 is replaced by serine, an amino acid with dissimilar properties. This amino acid position is highly conserved in available vertebrate species. In addition, this alteration is predicted to be deleterious by in silico analysis. Since supporting evidence is limited at this time, the clinical significance of this alteration remains unclear.

Labcorp Genetics (formerly Invitae), Labcorp
Classification: Uncertain significance for Hereditary nonpolyposis colorectal neoplasms. Last evaluated: 2023-08-23. Review status: criteria provided, single submitter. Criteria: Invitae Variant Classification Sherloc (09022015). Collection method: clinical testing. Allele origin: germline.
Comment: In summary, the available evidence is currently insufficient to determine the role of this variant in disease. Therefore, it has been classified as a Variant of Uncertain Significance. Advanced modeling of protein sequence and biophysical properties (such as structural, functional, and spatial information, amino acid conservation, physicochemical variation, residue mobility, and thermodynamic stability) has been performed at Invitae for this missense variant, however the output from this modeling did not meet the statistical confidence thresholds required to predict the impact of this variant on MSH6 protein function. ClinVar contains an entry for this variant (Variation ID: 491935). This variant has not been reported in the literature in individuals affected with MSH6-related conditions. This variant is not present in population databases (gnomAD no frequency). This sequence change replaces cysteine, which is neutral and slightly polar, with serine, which is neutral and polar, at codon 1098 of the MSH6 protein (p.Cys1098Ser).

NM_000179.3(MSH6):c.3292T>A (p.Cys1098Ser)

Gene: MSH6 (mutS homolog 6; plus strand). Cytogenetic location: 2p16.3.
Variant type: single nucleotide variant.
Coding change: c.3292T>A on transcript NM_000179.3 (MANE Select); coding-DNA position 3292, T replaced by A.
Protein change: p.Cys1098Ser; replaces cysteine 1098 with serine.
Molecular consequence: missense variant.
Genome position (GRCh38, 1-based): chr2:47,803,539, T>A. VCF-style: chr2-47803539-T-A. GRCh37 (hg19) VCF-style: chr2-48030678-T-A.
Other names: c.2902T>A, p.Cys968Ser (NM_001281492.2); c.2386T>A, p.Cys796Ser (NM_001281493.2, NM_001281494.2); short protein forms C1098S, C968S, C796S.
Identifiers: ClinVar variation 491935 (VCV000491935.13), dbSNP rs1553331482, ClinGen allele CA346758431.